The following is an entry in ClinVar:

NM_001018115.3(FANCD2):c.78A>C (p.Gln26His)

Genes: FANCD2 (FA complementation group D2; plus strand), LOC107303338 (3p25 FANCD2 Alu-mediated recombination region; plus strand). Cytogenetic location: 3p25.3.
Variant type: single nucleotide variant.
Coding change: c.78A>C on transcript NM_001018115.3 (MANE Select); coding-DNA position 78, A replaced by C.
Protein change: p.Gln26His; replaces glutamine 26 with histidine.
Molecular consequence: missense variant.
Genome position (GRCh38, 1-based): chr3:10,032,845, A>C. VCF-style: chr3-10032845-A-C. GRCh37 (hg19) VCF-style: chr3-10074529-A-C.
Other names: c.78A>C, p.Gln26His (NM_001319984.2, NM_001374253.1, NM_001374254.1 and 2 more transcripts); c.78A>C (NM_001018115.2, NM_033084.4); short protein forms Q26H.
Identifiers: ClinVar variation 456361 (VCV000456361.43), dbSNP rs45510294, ClinGen allele CA2249106.

ClinVar aggregate classification (germline): Conflicting classifications of pathogenicity. Review status: criteria provided, conflicting classifications (1 of 4 stars). 13 submissions from 13 submitters: Uncertain significance (4); Benign (1); Likely benign (4). 4 of the submissions do not count toward it. Last evaluated 2026-02-01.

Conditions:
Fanconi anemia (FA). Also called: Fanconi's anemia. Identifiers: Orphanet 84, MedGen C0015625, MeSH D005199, MONDO:0019391.
Fanconi anemia complementation group D2. Also called: FANCD2-Related Fanconi Anemia; FANCONI PANCYTOPENIA, TYPE 4; FANCONI ANEMIA, COMPLEMENTATION GROUP D. Identifiers: Orphanet 84, MedGen C3160738, MONDO:0009214, OMIM 227646.
FANCD2-related disorder. Also called: FANCD2-related condition.

Allele frequency attached by ClinVar (database versions not stated): 1000 Genomes Project 30x 0.00016; 1000 Genomes Project 0.00020; ExAC 0.00057; ESP Exome Variant Server 0.00062; TOPMed 0.00067; gnomAD 0.00074 and 0.00075; gnomAD exomes 0.00077 and 0.00108.
gnomAD v4.1: 1,688 of 1,613,120 alleles (0.1%); highest among the groups gnomAD compares: Non-Finnish European, 0.13%; 3 homozygotes.

Submissions (13):

CeGaT Center for Human Genetics Tuebingen
Classification: Likely benign. Last evaluated: 2026-02-01. Review status: criteria provided, single submitter. Criteria: CeGaT Center For Human Genetics Tuebingen Variant Classification Criteria Version 2. Collection method: clinical testing. Allele origin: germline. Affected: yes. Observed: 2 variant alleles.
Comment: FANCD2: BP1, BP4, BS1

Labcorp Genetics (formerly Invitae), Labcorp
Classification: Benign for Fanconi anemia. Last evaluated: 2026-01-26. Review status: criteria provided, single submitter. Criteria: Invitae Variant Classification Sherloc (09022015). Collection method: clinical testing. Allele origin: germline.

Blueprint Genetics
Classification: Likely benign. Last evaluated: 2024-11-18. Review status: criteria provided, single submitter. Criteria: ACMG Guidelines, 2015. Collection method: clinical testing. Allele origin: germline.

GeneDx
Classification: Uncertain significance. Last evaluated: 2024-10-13. Review status: criteria provided, single submitter. Criteria: GeneDx Variant Classification Process June 2021. Collection method: clinical testing. Allele origin: germline. Affected: yes.
Comment: In silico analysis indicates that this missense variant does not alter protein structure/function; Observed without a second FANCD2 variant in a family with thrombocytopenia who had a different genetic etiology for the phenotype (PMID: 27931139); This variant is associated with the following publications: (PMID: 32546565, 36604647, 30256826, 27931139)

ARUP Laboratories, Molecular Genetics and Genomics, ARUP Laboratories
Classification: Uncertain significance for Fanconi anemia complementation group D2. Last evaluated: 2024-05-01. Review status: criteria provided, single submitter. Criteria: ARUP Molecular Germline Variant Investigation Process 2024. Collection method: clinical testing. Allele origin: germline.

KCCC/NGS Laboratory, Kuwait Cancer Control Center
Classification: Likely benign for Fanconi anemia complementation group D2. Last evaluated: 2023-07-07. Review status: criteria provided, single submitter. Criteria: ACMG Guidelines, 2015. Collection method: clinical testing. Allele origin: germline. Affected: yes.

Sema4
Classification: Likely benign for Fanconi anemia. Last evaluated: 2021-10-29. Review status: criteria provided, single submitter. Criteria: Sema4 Curation Guidelines. Collection method: curation. Allele origin: germline.

Genetic Services Laboratory, University of Chicago
Classification: Uncertain significance. Last evaluated: 2020-02-17. Review status: criteria provided, single submitter. Criteria: ACMG Guidelines, 2015. Collection method: clinical testing. Allele origin: germline. Affected: no.
Comment: DNA sequence analysis of the FANCD2 gene demonstrated a sequence change, c.78A>C, in exon 3 that results in an amino acid change, p.Gln26His. This sequence change does not appear to have been previously described in patients with FANCD2-related disorders and has been described in the gnomAD database with a frequency of 0.21% in the Ashkenazi Jewish sub-population (dbSNP rs45510294). The p.Gln26His change affects a poorly conserved amino acid residue located in a domain of the FANCD2 protein that is not known to be functional. In-silico pathogenicity prediction tools (SIFT, PolyPhen2, Align GVGD, REVEL) provide contradictory results for the p.Gln26His substitution. Due to these contrasting evidences and the lack of functional studies, the clinical significance of the p.Gln26His change remains unknown at this time.

Illumina Laboratory Services, Illumina
Classification: Uncertain significance for Fanconi anemia complementation group D2. Last evaluated: 2018-01-13. Review status: criteria provided, single submitter. Criteria: ICSL Variant Classification Criteria 13 December 2019. Collection method: clinical testing. Allele origin: germline.

PreventionGenetics, part of Exact Sciences
Classification: Likely benign for FANCD2-related condition. Last evaluated: 2023-01-12. Review status: no assertion criteria provided. Collection method: clinical testing. Allele origin: germline. Not counted in ClinVar's aggregate classification.
Comment: This variant is classified as likely benign based on ACMG/AMP sequence variant interpretation guidelines (Richards et al. 2015 PMID: 25741868, with internal and published modifications).

Diagnostic Laboratory, Department of Genetics, University Medical Center Groningen
Classification: Likely benign. Review status: no assertion criteria provided. Collection method: clinical testing. Allele origin: germline. Affected: yes. Study: VKGL Data-share Consensus. Not counted in ClinVar's aggregate classification.

Genome Diagnostics Laboratory, Amsterdam University Medical Center
Classification: Likely benign. Review status: no assertion criteria provided. Collection method: clinical testing. Allele origin: germline. Affected: yes. Study: VKGL Data-share Consensus. Not counted in ClinVar's aggregate classification.

Laboratory of Diagnostic Genome Analysis, Leiden University Medical Center (LUMC)
Classification: Likely benign. Review status: no assertion criteria provided. Collection method: clinical testing. Allele origin: germline. Affected: yes. Study: VKGL Data-share Consensus. Not counted in ClinVar's aggregate classification.

Literature cited by the submitters: PubMed 27931139 (cited by Sema4); PubMed 30256826 (cited by Sema4); PubMed 32546565 (cited by Sema4).